The following is an entry in ClinVar:

ClinVar aggregate classification (germline): Benign/Likely benign. Review status: criteria provided, multiple submitters, no conflicts (2 of 4 stars). 11 submissions from 8 submitters: Benign (7); Likely benign (3). 1 of the submissions does not count toward it. Last evaluated 2026-01-04.

Conditions:
TTN-related disorder. Also called: TTN-related disorders; TTN-related condition; TTN-related disease.
Dilated cardiomyopathy 1G (CMD1G). Identifiers: Orphanet 154, MedGen C1858763, MONDO:0011400, OMIM 604145.
Autosomal recessive limb-girdle muscular dystrophy type 2J (LGMDR10). Also called: MUSCULAR DYSTROPHY, LIMB-GIRDLE, AUTOSOMAL RECESSIVE 10; Limb-girdle muscular dystrophy, type 2J. Identifiers: Orphanet 140922, MedGen C1837342, MONDO:0012127, OMIM 608807.
Early-onset myopathy with fatal cardiomyopathy (CMYO5). Also called: CONGENITAL MYOPATHY 5 WITH CARDIOMYOPATHY; Salih Myopathy. Identifiers: Orphanet 289377, MedGen C2673677, MONDO:0012714, OMIM 611705. Disease mechanism: loss of function.
Myopathy, myofibrillar, 9, with early respiratory failure (MFM9). Also called: Hereditary myopathy with early respiratory failure; EDSTROM MYOPATHY; Myopathy, distal, with early respiratory failure, autosomal dominant; MYOPATHY, PROXIMAL, WITH EARLY RESPIRATORY MUSCLE INVOLVEMENT. Identifiers: Orphanet 178464, Orphanet 34521, MedGen C1863599, MONDO:0011362, OMIM 603689.
Tibial muscular dystrophy (TMD). Also called: Udd Distal Myopathy – Tibial Muscular Dystrophy; Tibial muscular dystrophy, tardive; UDD MYOPATHY. Identifiers: Orphanet 609, MedGen C1838244, MONDO:0010870, OMIM 600334.

Allele frequency attached by ClinVar (database versions not stated): ExAC 0.00005; gnomAD exomes 0.00002 and 0.00006; gnomAD 0.00029 and 0.00034; TOPMed 0.00030.
gnomAD v4.1: 69 of 1,573,764 alleles (0.0044%); highest among the groups gnomAD compares: African/African-American, 0.085%; no homozygotes.

Submissions (11):

Labcorp Genetics (formerly Invitae), Labcorp
Classification: Likely benign for Dilated cardiomyopathy 1G; Autosomal recessive limb-girdle muscular dystrophy type 2J. Last evaluated: 2026-01-04. Review status: criteria provided, single submitter. Criteria: Invitae Variant Classification Sherloc (09022015). Collection method: clinical testing. Allele origin: germline.

Molecular Diagnostic Laboratory for Inherited Cardiovascular Disease, Montreal Heart Institute
Classification: Benign. Last evaluated: 2025-04-09. Review status: criteria provided, single submitter. Criteria: ACMG Guidelines, 2015. Collection method: clinical testing. Allele origin: germline. Affected: no.

Women's Health and Genetics/Laboratory Corporation of America, LabCorp
Classification: Likely benign. Last evaluated: 2024-12-12. Review status: criteria provided, single submitter. Criteria: LabCorp Variant Classification Summary - May 2015. Collection method: clinical testing. Allele origin: germline.

Genome-Nilou Lab
Classification: Benign for Autosomal recessive limb-girdle muscular dystrophy type 2J. Last evaluated: 2021-09-10. Review status: criteria provided, single submitter. Criteria: ACMG Guidelines, 2015. Collection method: clinical testing. Allele origin: germline. Affected: no.

Genome-Nilou Lab
Classification: Benign for Myopathy, myofibrillar, 9, with early respiratory failure. Last evaluated: 2021-09-10. Review status: criteria provided, single submitter. Criteria: ACMG Guidelines, 2015. Collection method: clinical testing. Allele origin: germline. Affected: no.

Genome-Nilou Lab
Classification: Benign for Early-onset myopathy with fatal cardiomyopathy. Last evaluated: 2021-09-10. Review status: criteria provided, single submitter. Criteria: ACMG Guidelines, 2015. Collection method: clinical testing. Allele origin: germline. Affected: no.

Genome-Nilou Lab
Classification: Benign for Tibial muscular dystrophy. Last evaluated: 2021-09-10. Review status: criteria provided, single submitter. Criteria: ACMG Guidelines, 2015. Collection method: clinical testing. Allele origin: germline. Affected: no.

Athena Diagnostics
Classification: Benign. Last evaluated: 2020-09-09. Review status: criteria provided, single submitter. Criteria: Athena Diagnostics criteria. Collection method: clinical testing. Allele origin: unknown.

GeneDx
Classification: Benign. Last evaluated: 2014-09-23. Review status: criteria provided, single submitter. Criteria: GeneDx Variant Classification (06012015). Collection method: clinical testing. Allele origin: germline. Affected: yes.
Comment: This variant is considered likely benign or benign based on one or more of the following criteria: it is a conservative change, it occurs at a poorly conserved position in the protein, it is predicted to be benign by multiple in silico algorithms, and/or has population frequency not consistent with disease.

Breakthrough Genomics
Classification: Likely benign. Review status: criteria provided, single submitter. Criteria: ACMG Guidelines, 2015. Collection method: not provided. Allele origin: germline. Inheritance: Autosomal recessive inheritance. Affected: yes.

PreventionGenetics, part of Exact Sciences
Classification: Likely benign for TTN-related condition. Last evaluated: 2024-01-19. Review status: no assertion criteria provided. Collection method: clinical testing. Allele origin: germline. Not counted in ClinVar's aggregate classification.
Comment: This variant is classified as likely benign based on ACMG/AMP sequence variant interpretation guidelines (Richards et al. 2015 PMID: 25741868, with internal and published modifications).

NM_001267550.2(TTN):c.99866-10C>T

Genes: TTN (titin; minus strand), TTN-AS1 (TTN antisense RNA 1; plus strand), LOC126806420 (BRD4-independent group 4 enhancer GRCh37_chr2:179401104-179402303; plus strand). Cytogenetic location: 2q31.2.
Variant type: single nucleotide variant.
Coding change: c.99866-10C>T on transcript NM_001267550.2 (MANE Select); 10 bases into the intron before coding-DNA position 99866, C replaced by T.
Molecular consequence: intron variant.
Genome position (GRCh38, 1-based): chr2:178,537,253, G>A on the plus strand (C>T on the coding strand, the complement: TTN is on the minus strand). VCF-style: chr2-178537253-G-A. GRCh37 (hg19) VCF-style: chr2-179401980-G-A.
Other names: c.72671-10C>T (NM_003319.4); c.73247-10C>T (NM_133437.4); c.73046-10C>T (NM_133432.3); c.92162-10C>T (NM_133378.4); c.94943-10C>T (NM_001256850.1).
Identifiers: ClinVar variation 202282 (VCV000202282.23), dbSNP rs773128928, ClinGen allele CA308974.
Genomic context (GRCh38, chr2:178,537,253, plus strand): 5'-TCTTCAATAGAGCTTCGATCACAATTGGTCCTGTAGGTTTGTCTGGTTTATCTGTTGGGG[G>A]AAAATACAATTGTGGTGGTTTTCATAGTGTGTTTTTGAGATTTTTTTTTCTTTAAAAATA-3'